The following is an entry in ClinVar:

NM_004183.4(BEST1):c.355G>C (p.Glu119Gln)

Gene: BEST1 (bestrophin 1; plus strand). Cytogenetic location: 11q12.3.
Variant type: single nucleotide variant.
Coding change: c.355G>C on transcript NM_004183.4 (MANE Select); coding-DNA position 355, G replaced by C.
Protein change: p.Glu119Gln; replaces glutamic acid 119 with glutamine.
Molecular consequence: missense variant. On other transcripts: non-coding transcript variant (1).
Genome position (GRCh38, 1-based): chr11:61,955,825, G>C. VCF-style: chr11-61955825-G-C. GRCh37 (hg19) VCF-style: chr11-61723297-G-C.
Other names: c.175G>C, p.Glu59Gln (NM_001139443.3, NM_001300786.2, NM_001300787.2); c.37G>C, p.Glu13Gln (NM_001363591.3); c.355G>C, p.Glu119Gln (NM_001363592.2); c.-821G>C (NM_001363593.3); short protein forms E119Q, E13Q, E59Q.
Identifiers: ClinVar variation 2735 (VCV000002735.16), dbSNP rs1805142, ClinGen allele CA227772.

ClinVar aggregate classification (germline): Conflicting classifications of pathogenicity. Review status: criteria provided, conflicting classifications (1 of 4 stars). 8 submissions from 8 submitters: Likely pathogenic (1); Uncertain significance (4). 3 of the submissions do not count toward it. Last evaluated 2025-06-18.

Conditions:
BEST1-related disorder. Also called: BEST1-related condition; BEST1-related disorders. Identifiers: MedGen CN239200.
Retinal dystrophy. Also called: Inherited retinal dystrophy. Identifiers: Orphanet 71862, MedGen C0854723, MeSH D058499, MONDO:0019118, HP:0000556.
Vitelliform macular dystrophy 2. Also called: Best Vitelliform Macular Dystrophy (BVMD); VITELLIFORM MACULAR DYSTROPHY, EARLY-ONSET; VITELLIFORM MACULAR DYSTROPHY, JUVENILE-ONSET; Best vitelliform macular dystrophy, multifocal; MACULAR DEGENERATION, POLYMORPHIC VITELLINE; Best Macular Dystrophy. Identifiers: Orphanet 1243, MedGen C2745945, MONDO:0007931, OMIM 153700.

Allele frequency attached by ClinVar (database versions not stated): TOPMed 0.00001; gnomAD exomes 0.00002 and 0.00003; ExAC 0.00006.
gnomAD v4.1: 31 of 1,550,448 alleles (0.002%); highest among the groups gnomAD compares: Non-Finnish European, 0.0025%; no homozygotes.

Submissions (8):

PreventionGenetics, part of Exact Sciences
Classification: Uncertain significance for BEST1-related condition. Last evaluated: 2025-06-18. Review status: criteria provided, single submitter. Criteria: ACMG Guidelines, 2015. Collection method: clinical testing. Allele origin: germline.
Comment: The BEST1 c.355G>C variant is predicted to result in the amino acid substitution p.Glu119Gln. This variant has been observed in individuals with bull’s eye maculopathy or age-related macular degeneration (Allikmets et al. 1999. PubMed ID: 10453731; Lotery et al. 2000. PubMed ID: 10798642; Seddon et al. 2001. PubMed ID: 11713080). This variant is reported in 0.0073% of alleles in individuals of European (Non-Finnish) descent in gnomAD. Functional studies revealed that this variant had similar currents as wild-type levels, but had altered anionic permeability (Yu et al. 2007. PubMed ID: 17898294); however, the authors postulated that this functional impact was inconsistent with one of the abnormal light peak phenotype. At this time, the clinical significance of this variant is uncertain due to the absence of conclusive functional and genetic evidence.

Labcorp Genetics (formerly Invitae), Labcorp
Classification: Uncertain significance. Last evaluated: 2024-08-08. Review status: criteria provided, single submitter. Criteria: Invitae Variant Classification Sherloc (09022015). Collection method: clinical testing. Allele origin: germline.
Comment: This sequence change replaces glutamic acid, which is acidic and polar, with glutamine, which is neutral and polar, at codon 119 of the BEST1 protein (p.Glu119Gln). This variant is present in population databases (rs1805142, gnomAD 0.008%). This missense change has been observed in individual(s) with BEST1-related conditions (PMID: 10453731, 10798642, 11713080). ClinVar contains an entry for this variant (Variation ID: 2735). Advanced modeling of protein sequence and biophysical properties (such as structural, functional, and spatial information, amino acid conservation, physicochemical variation, residue mobility, and thermodynamic stability) performed at Invitae indicates that this missense variant is expected to disrupt BEST1 protein function with a positive predictive value of 95%. Experimental studies have shown that this missense change affects BEST1 function (PMID: 17898294). In summary, the available evidence is currently insufficient to determine the role of this variant in disease. Therefore, it has been classified as a Variant of Uncertain Significance.

Blueprint Genetics
Classification: Uncertain significance. Last evaluated: 2024-05-30. Review status: criteria provided, single submitter. Criteria: ACMG Guidelines, 2015. Collection method: clinical testing. Allele origin: germline.

GeneDx
Classification: Uncertain significance. Last evaluated: 2020-12-30. Review status: criteria provided, single submitter. Criteria: GeneDx Variant Classification Process June 2021. Collection method: clinical testing. Allele origin: germline. Affected: yes.
Comment: In silico analysis supports that this missense variant has a deleterious effect on protein structure/function; This variant is associated with the following publications: (PMID: 17898294, 10453731, 31589614)

Institute of Human Genetics, Univ. Regensburg, Univ. Regensburg
Classification: Likely pathogenic for Retinal dystrophy. Last evaluated: 2020-01-01. Review status: criteria provided, single submitter. Criteria: ACMG Guidelines, 2015. Collection method: clinical testing. Allele origin: germline. Affected: yes.

OMIM
Classification: Pathogenic for MACULAR DYSTROPHY, VITELLIFORM, 2. Last evaluated: 1999-06-01. Review status: no assertion criteria provided. Collection method: literature only. Allele origin: germline. Not counted in ClinVar's aggregate classification.

Department of Pathology and Laboratory Medicine, Sinai Health System
Classification: Uncertain significance. Review status: no assertion criteria provided. Collection method: clinical testing. Allele origin: unknown. Affected: yes. Study: The Canadian Open Genetics Repository (COGR). Not counted in ClinVar's aggregate classification.
Comment: The variant was identified in dbSNP (ID: rs1805142) and ClinVar (classified as pathogenic by OMIM) and was not identified in Cosmic or LOVD 3.0. The variant was identified in control databases in 1 of 31388 chromosomes at a frequency of 0.000032 (Genome Aggregation Database Feb 27, 2017). The variant was observed in the following populations: African in 1 of 8704 chromosomes (freq: 0.000115), while the variant was not observed in the Latino, Ashkenazi Jewish, East Asian, European (Finnish), European (non-Finnish), South Asian and other populations. The p.Glu59 residue is conserved in mammals and computational analyses (PolyPhen-2, SIFT, AlignGVGD, BLOSUM, MutationTaster) provide inconsistent predictions regarding the impact to the protein; this information is not very predictive of pathogenicity. In summary, based on the above information the clinical significance of this variant cannot be determined with certainty at this time. This variant is classified as a variant of uncertain significance.

Retina International
No classification provided. Review status: no classification provided. Collection method: not provided. Allele origin: not provided. Not counted in ClinVar's aggregate classification.

Literature cited by the submitters: PubMed 10453731 (cited by 3 submitters); PubMed 10798642 (cited by Labcorp Genetics (formerly Invitae), Labcorp); PubMed 11713080 (cited by Labcorp Genetics (formerly Invitae), Labcorp); PubMed 17898294 (cited by Labcorp Genetics (formerly Invitae), Labcorp and Institute of Human Genetics, Univ. Regensburg, Univ. Regensburg); PubMed 31589614 (cited by Institute of Human Genetics, Univ. Regensburg, Univ. Regensburg); PubMed 34426522 (cited by Institute of Human Genetics, Univ. Regensburg, Univ. Regensburg).